The following is an entry in ClinVar:

NM_000535.7(PMS2):c.961G>A (p.Val321Ile)

Gene: PMS2 (PMS1 homolog 2, mismatch repair system component; minus strand). Cytogenetic location: 7p22.1.
Variant type: single nucleotide variant.
Coding change: c.961G>A on transcript NM_000535.7 (MANE Select); coding-DNA position 961, G replaced by A.
Protein change: p.Val321Ile; replaces valine 321 with isoleucine.
Molecular consequence: missense variant. On other transcripts: non-coding transcript variant (1).
Genome position (GRCh38, 1-based): chr7:5,992,000, C>T on the plus strand (G>A on the coding strand, the complement: PMS2 is on the minus strand). VCF-style: chr7-5992000-C-T. GRCh37 (hg19) VCF-style: chr7-6031631-C-T.
Other names: c.556G>A, p.Val186Ile (NM_001322003.2, NM_001322004.2, NM_001322005.2 and 2 more transcripts); c.961G>A, p.Val321Ile (NM_001322006.2, NM_001322014.2); c.643G>A, p.Val215Ile (NM_001322007.2, NM_001322008.2); c.28G>A, p.Val10Ile (NM_001322011.2, NM_001322012.2); c.388G>A, p.Val130Ile (NM_001322013.2); c.652G>A, p.Val218Ile (NM_001322015.2); short protein forms V321I, V130I, V186I, V215I, V10I, V218I.
Identifiers: ClinVar variation 141713 (VCV000141713.35), dbSNP rs377043696, ClinGen allele CA013376.
Genomic context (GRCh38, chr7:5,992,000, plus strand): 5'-CACTAGTTGTACTGAAATGCCAATGGAACTTACCTGAATCAACAGAAATGTTAAGAACAA[C>T]AAATGGATACTGGTGTCGATTATACATGTGGTAGACCTCATTCACGAGTCTGCAGACCTG-3'
Protein context (NP_000526.2, residues 311-331): HMYNRHQYPF[Val321Ile]VLNISVDSEC

ClinVar aggregate classification (germline): Conflicting classifications of pathogenicity. Review status: criteria provided, conflicting classifications (1 of 4 stars). 10 submissions from 10 submitters: Uncertain significance (7); Benign (1); Likely benign (1). 1 of the submissions does not count toward it. Last evaluated 2025-12-28.

Conditions:
PMS2-related disorder. Also called: PMS2-related condition.
Hereditary nonpolyposis colorectal neoplasms. Identifiers: MedGen C0009405, MeSH D003123.
Hereditary cancer-predisposing syndrome. Also called: Neoplastic Syndromes, Hereditary; Hereditary Cancer Syndrome; Tumor predisposition; Hereditary neoplastic syndrome. Identifiers: Orphanet 140162, MedGen C0027672, MeSH D009386, MONDO:0015356.
Lynch syndrome. Identifiers: Orphanet 144, MedGen C4552100, MONDO:0005835. Disease mechanism: loss of function.
Lynch syndrome 4 (LYNCH4). Also called: Colorectal cancer, hereditary nonpolyposis, type 4; Hereditary non-polyposis colorectal cancer, type 4. Identifiers: Orphanet 144, MedGen C1838333, MONDO:0013699, OMIM 614337. Disease mechanism: loss of function.

Allele frequency attached by ClinVar (database versions not stated): TOPMed 0.00002; ExAC 0.00004; gnomAD 0.00004; gnomAD exomes 0.00004; ESP Exome Variant Server 0.00008.

Submissions (10):

Labcorp Genetics (formerly Invitae), Labcorp
Classification: Benign for Hereditary nonpolyposis colorectal neoplasms. Last evaluated: 2025-12-28. Review status: criteria provided, single submitter. Criteria: Invitae Variant Classification Sherloc (09022015). Collection method: clinical testing. Allele origin: germline.

Ambry Genetics
Classification: Uncertain significance for Hereditary cancer-predisposing syndrome. Last evaluated: 2025-07-31. Review status: criteria provided, single submitter. Criteria: Ambry Variant Classification Scheme 2023. Collection method: clinical testing. Allele origin: germline.
Comment: The p.V321I variant (also known as c.961G>A), located in coding exon 9 of the PMS2 gene, results from a G to A substitution at nucleotide position 961. The valine at codon 321 is replaced by isoleucine, an amino acid with highly similar properties. This alteration has been reported as a variant of unknown pathogenicity in one individual from a cohort of 145 unrelated patient samples submitted for PMS2 whole gene analysis. Additionally, authors note that this individual's tumor exhibited isolated loss of PMS2 expression by immunohistochemistry (IHC) (Vaughn CP et al. Hum. Mutat. 2010 May;31:588-93). This individual's tumor exhibited loss of PMS2 expression by IHC (Wang Q et al. J Med Genet, 2020 07;57:487-499). This amino acid position is well conserved in available vertebrate species. In addition, the in silico prediction for this alteration is inconclusive. Based on the available evidence, the clinical significance of this variant remains unclear.

GeneDx
Classification: Uncertain significance. Last evaluated: 2024-11-07. Review status: criteria provided, single submitter. Criteria: GeneDx Variant Classification Process June 2021. Collection method: clinical testing. Allele origin: germline. Affected: yes.
Comment: In silico analysis indicates that this missense variant does not alter protein structure/function; Observed in individuals with endometrial or colorectal cancer, some with tumors demonstrating isolated loss of PMS2 and/or microsatellite instability (PMID: 20205264, 25871621, 31992580); This variant is associated with the following publications: (PMID: 20205264, 25871621, 31391288, 31992580, 11574484)

All of Us Research Program, National Institutes of Health
Classification: Uncertain significance for Lynch syndrome. Last evaluated: 2024-08-06. Review status: criteria provided, single submitter. Criteria: ACMG Guidelines, 2015. Collection method: clinical testing. Allele origin: germline. Inheritance: Autosomal dominant inheritance. Observed: 13 variant alleles, 13 heterozygotes.
Comment: This missense variant replaces valine with isoleucine at codon 321 of the PMS2 protein. Computational prediction suggests that this variant may not impact protein structure and function (internally defined REVEL score threshold <= 0.5, PMID: 27666373). To our knowledge, functional studies have not been reported for this variant. This variant has been reported in an individuals affected with Lynch syndrome-associated cancers, whose tumors demonstrated high microsatellite instability and/or loss of PMS2 expression via immunohistochemistry (PMID: 20205264, 25871621, 31992580). In one individual affected with endometrial cancer, the tumor demonstrated high microsatellite instability and loss of MSH6 protein, but retained PMS2 protein, via immunohistochemistry (PMID: 31992580). This variant has been identified in 11/282616 chromosomes in the general population by the Genome Aggregation Database (gnomAD). The available evidence is insufficient to determine the role of this variant in disease conclusively. Therefore, this variant is classified as a Variant of Uncertain Significance.

This study involves interpretation of variants in research participants for the purpose of population health screening. Participant phenotype was not available at the time of variant classification. Additional details can be found in publication PMID: 35346344, PMCID: PMC8962531

Color Diagnostics, LLC DBA Color Health
Classification: Uncertain significance for Hereditary cancer-predisposing syndrome. Last evaluated: 2024-04-15. Review status: criteria provided, single submitter. Criteria: ACMG Guidelines, 2015. Collection method: clinical testing. Allele origin: germline.
Comment: This missense variant replaces valine with isoleucine at codon 321 of the PMS2 protein. Computational prediction suggests that this variant may not impact protein structure and function (internally defined REVEL score threshold <= 0.5, PMID: 27666373). To our knowledge, functional studies have not been reported for this variant. This variant has been reported in an individuals affected with Lynch syndrome-associated cancers, whose tumors demonstrated high microsatellite instability and/or loss of PMS2 expression via immunohistochemistry (PMID: 20205264, 25871621, 31992580). In one individual affected with endometrial cancer, the tumor demonstrated high microsatellite instability and loss of MSH6 protein, but retained PMS2 protein, via immunohistochemistry (PMID: 31992580). This variant has been identified in 11/282616 chromosomes in the general population by the Genome Aggregation Database (gnomAD). The available evidence is insufficient to determine the role of this variant in disease conclusively. Therefore, this variant is classified as a Variant of Uncertain Significance.

Baylor Genetics
Classification: Uncertain significance for Lynch syndrome 4. Last evaluated: 2024-03-28. Review status: criteria provided, single submitter. Criteria: ACMG Guidelines, 2015. Collection method: clinical testing. Allele origin: unknown.

Blueprint Genetics
Classification: Likely benign. Last evaluated: 2023-11-28. Review status: criteria provided, single submitter. Criteria: ACMG Guidelines, 2015. Collection method: clinical testing. Allele origin: germline.

Women's Health and Genetics/Laboratory Corporation of America, LabCorp
Classification: Uncertain significance. Last evaluated: 2022-10-03. Review status: criteria provided, single submitter. Criteria: LabCorp Variant Classification Summary - May 2015. Collection method: clinical testing. Allele origin: germline.
Comment: Variant summary: PMS2 c.961G>A (p.Val321Ile) results in a conservative amino acid change located in the DNA mismatch repair protein family, N-terminal (IPR002099) of the encoded protein sequence. Four in-silico tools predict a benign effect of the variant on protein function. The variant allele was found at a frequency of 4e-05 in 251270 control chromosomes. This frequency is not significantly higher than expected for a pathogenic variant in PMS2 causing Hereditary Nonpolyposis Colorectal Cancer (4e-05 vs 7.1e-05), allowing no conclusion about variant significance. c.961G>A has been reported in the literature in affected individuals whose tumors exhibited isolated loss of PMS2 expression by immunohistochemistry without strong evidence for causality (Dudley_2015, Vaughn_2010). These reports do not provide unequivocal conclusions about association of the variant with Hereditary Nonpolyposis Colorectal Cancer. To our knowledge, no experimental evidence demonstrating an impact on protein function has been reported. Five clinical diagnostic laboratories have submitted clinical-significance assessments for this variant to ClinVar after 2014 and classified as VUS (n=4) and likely benign (n=1). Based on the evidence outlined above, the variant was classified as uncertain significance.

Institute for Clinical Genetics, University Hospital TU Dresden, University Hospital TU Dresden
Classification: Uncertain significance. Last evaluated: 2021-11-03. Review status: criteria provided, single submitter. Criteria: ACMG Guidelines, 2015. Collection method: clinical testing. Allele origin: germline.

PreventionGenetics, part of Exact Sciences
Classification: Uncertain significance for PMS2-related condition. Last evaluated: 2024-07-01. Review status: no assertion criteria provided. Collection method: clinical testing. Allele origin: germline. Not counted in ClinVar's aggregate classification.
Comment: The PMS2 c.961G>A variant is predicted to result in the amino acid substitution p.Val321Ile. This variant has been reported in individuals suspected to have Lynch syndrome, most of whom had tumors with isolated loss of PMS2 immunohistochemical expression (Wang et al. 2020. PubMed ID: 31992580). This variant is reported in 0.020% of alleles in individuals of European (Finnish) descent in gnomAD. Another nucleotide change affecting this amino acid (p.Val321Ile) has been reported in an individual with colorectal cancer (Jiang et al. 2019. PubMed ID: 30521064). This variant has conflicting interpretations of uncertain significance and likely benign in ClinVar. At this time, the clinical significance of this variant is uncertain due to the absence of conclusive functional and genetic evidence.

Literature cited by the submitters: PubMed 20205264 (cited by 4 submitters); PubMed 25871621 (cited by 4 submitters); PubMed 31992580 (cited by 3 submitters).